The following is an entry in ClinVar:

NM_000393.5(COL5A2):c.407C>T (p.Pro136Leu)

Gene: COL5A2 (collagen type V alpha 2 chain; minus strand). Cytogenetic location: 2q32.2.
Variant type: single nucleotide variant.
Coding change: c.407C>T on transcript NM_000393.5 (MANE Select); coding-DNA position 407, C replaced by T.
Protein change: p.Pro136Leu; replaces proline 136 with leucine.
Molecular consequence: missense variant.
Genome position (GRCh38, 1-based): chr2:189,097,326, G>A on the plus strand (C>T on the coding strand, the complement: COL5A2 is on the minus strand). VCF-style: chr2-189097326-G-A. GRCh37 (hg19) VCF-style: chr2-189962052-G-A.
Other names: p.P136L:CCT>CTT; short protein forms P136L.
Identifiers: ClinVar variation 213142 (VCV000213142.15), dbSNP rs863223502, ClinGen allele CA321560.

ClinVar aggregate classification (germline): Uncertain significance. Review status: criteria provided, multiple submitters, no conflicts (2 of 4 stars). 5 submissions from 5 submitters: Uncertain significance (5). Last evaluated 2026-02-02.

Conditions:
Ehlers-Danlos syndrome, classic type, 1 (EDSCL1). Also called: EHLERS-DANLOS SYNDROME, GRAVIS TYPE; EHLERS-DANLOS SYNDROME, SEVERE CLASSIC TYPE; Ehlers-Danlos syndrome, type 1; Ehlers-Danlos Syndrome, Classic Type, COL5A1-Related; EDS I. Identifiers: MedGen C0268335, MONDO:0019567, OMIM 130000.
Familial thoracic aortic aneurysm and aortic dissection (TAAD). Also called: Thoracic aortic aneurysms and dissections. Identifiers: Orphanet 91387, MedGen C4707243, MONDO:0019625.

Allele frequency attached by ClinVar (database versions not stated): gnomAD exomes below 0.00001.
gnomAD v4.1: 6 of 1,613,882 alleles (0.00037%); highest among the groups gnomAD compares: Non-Finnish European, 0.00051%; no homozygotes.

Submissions (5):

Labcorp Genetics (formerly Invitae), Labcorp
Classification: Uncertain significance for Ehlers-Danlos syndrome, classic type, 1. Last evaluated: 2026-02-02. Review status: criteria provided, single submitter. Criteria: Invitae Variant Classification Sherloc (09022015). Collection method: clinical testing. Allele origin: germline.
Comment: This sequence change replaces proline, which is neutral and non-polar, with leucine, which is neutral and non-polar, at codon 136 of the COL5A2 protein (p.Pro136Leu). This variant is not present in population databases (gnomAD no frequency). This variant has not been reported in the literature in individuals affected with COL5A2-related conditions. ClinVar contains an entry for this variant (Variation ID: 213142). Invitae Evidence Modeling of protein sequence and biophysical properties (such as structural, functional, and spatial information, amino acid conservation, physicochemical variation, residue mobility, and thermodynamic stability) indicates that this missense variant is not expected to disrupt COL5A2 protein function with a negative predictive value of 95%. In summary, the available evidence is currently insufficient to determine the role of this variant in disease. Therefore, it has been classified as a Variant of Uncertain Significance.

Ambry Genetics
Classification: Uncertain significance for Familial thoracic aortic aneurysm and aortic dissection. Last evaluated: 2025-12-30. Review status: criteria provided, single submitter. Criteria: Ambry Variant Classification Scheme 2023. Collection method: clinical testing. Allele origin: germline.
Comment: The p.P136L variant (also known as c.407C>T), located in coding exon 6 of the COL5A2 gene, results from a C to T substitution at nucleotide position 407. The proline at codon 136 is replaced by leucine, an amino acid with similar properties. This amino acid position is conserved. In addition, the in silico prediction for this alteration is inconclusive. Based on the available evidence, the clinical significance of this variant remains unclear.

GeneDx
Classification: Uncertain significance. Last evaluated: 2023-04-06. Review status: criteria provided, single submitter. Criteria: GeneDx Variant Classification Process June 2021. Collection method: clinical testing. Allele origin: germline. Affected: yes.
Comment: Has not been previously published as pathogenic or benign to our knowledge; Not observed at significant frequency in large population cohorts (gnomAD); In silico analysis supports that this missense variant has a deleterious effect on protein structure/function; Not located in the triple helical region, where the majority of pathogenic missense variants occur (Symoens et al., 2012; HGMD); This variant is associated with the following publications: (PMID: 22696272)

AiLife Diagnostics
Classification: Uncertain significance. Last evaluated: 2021-11-20. Review status: criteria provided, single submitter. Criteria: ACMG Guidelines, 2015. Collection method: clinical testing. Allele origin: germline. Affected: yes. Observed: 1 variant allele.

Blueprint Genetics
Classification: Uncertain significance. Last evaluated: 2018-07-11. Review status: criteria provided, single submitter. Criteria: ACMG Guidelines, 2015. Collection method: clinical testing. Allele origin: germline.